The following is an entry in ClinVar:

NM_001384732.1(CPLANE1):c.6399G>C (p.Lys2133Asn)

Gene: CPLANE1 (ciliogenesis and planar polarity effector complex subunit 1; minus strand). Cytogenetic location: 5p13.2.
Variant type: single nucleotide variant.
Coding change: c.6399G>C on transcript NM_001384732.1 (MANE Select); coding-DNA position 6399, G replaced by C.
Protein change: p.Lys2133Asn; replaces lysine 2133 with asparagine.
Molecular consequence: missense variant.
Genome position (GRCh38, 1-based): chr5:37,170,104, C>G on the plus strand (G>C on the coding strand, the complement: CPLANE1 is on the minus strand). VCF-style: chr5-37170104-C-G. GRCh37 (hg19) VCF-style: chr5-37170206-C-G.
Other names: c.6399G>C (NM_023073.3); c.6399G>C, p.Lys2133Asn (NM_023073.4); short protein forms K2133N.
Identifiers: ClinVar variation 1500705 (VCV001500705.4), dbSNP rs2150952089, ClinGen allele CA359481494.

ClinVar aggregate classification (germline): Uncertain significance. Review status: criteria provided, multiple submitters, no conflicts (2 of 4 stars). 2 submissions from 2 submitters: Uncertain significance (2). Last evaluated 2024-06-20.

Conditions:
Orofaciodigital syndrome type 6 (OFD6). Also called: OROFACIODIGITAL SYNDROME VI; OFDS VI; Oral-facial-digital syndrome type 6; Central polydactyly cleft lip/palate or lingual lump and psychomotor retardation; Y-shaped central metacarpal and cerebellar defect; Joubert syndrome with orofacialdigital anomalies. Identifiers: Orphanet 2754, MedGen C2745997, MONDO:0010176, OMIM 277170.
Joubert syndrome 17 (JBTS17). Identifiers: Orphanet 475, MedGen C3553264, MONDO:0013824, OMIM 614615.

gnomAD v4.1: 2 of 1,614,016 alleles (0.00012%); no homozygotes.

Submissions (2):

Fulgent Genetics
Classification: Uncertain significance for Orofaciodigital syndrome type 6; Joubert syndrome 17. Last evaluated: 2024-06-20. Review status: criteria provided, single submitter. Criteria: ACMG Guidelines, 2015. Collection method: clinical testing. Allele origin: germline.

Labcorp Genetics (formerly Invitae), Labcorp
Classification: Uncertain significance. Last evaluated: 2022-07-19. Review status: criteria provided, single submitter. Criteria: Invitae Variant Classification Sherloc (09022015). Collection method: clinical testing. Allele origin: germline.
Comment: This sequence change replaces lysine, which is basic and polar, with asparagine, which is neutral and polar, at codon 2133 of the CPLANE1 protein (p.Lys2133Asn). This variant is not present in population databases (gnomAD no frequency). This variant has not been reported in the literature in individuals affected with CPLANE1-related conditions. ClinVar contains an entry for this variant (Variation ID: 1500705). Advanced modeling of protein sequence and biophysical properties (such as structural, functional, and spatial information, amino acid conservation, physicochemical variation, residue mobility, and thermodynamic stability) performed at Invitae indicates that this missense variant is not expected to disrupt CPLANE1 protein function. In summary, the available evidence is currently insufficient to determine the role of this variant in disease. Therefore, it has been classified as a Variant of Uncertain Significance.